The following is an entry in ClinVar:

NM_001130987.2(DYSF):c.4387+16_4387+42del

Gene: DYSF (dysferlin; plus strand). Cytogenetic location: 2p13.2.
Variant type: Deletion.
Coding change: c.4387+16_4387+42del on transcript NM_001130987.2 (MANE Select); bases 16 to 42 of the intron after coding-DNA position 4387, 27 bases deleted (ATGATGGGCAGGTCAGGGAAGGGGGAG).
Molecular consequence: intron variant.
Genome position (GRCh38, 1-based): chr2:71,612,822-71,612,848, ATGATGGGCAGGTCAGGGAAGGGGGAG deleted; deleting any 27 consecutive bases within chr2:71,612,816-71,612,848 gives the same sequence; the c. name uses the placement nearest the transcript's 3' end. VCF-style (leftmost placement, unchanged base first): chr2-71612815-AGGGGAGATGATGGGCAGGTCAGGGAAG-A. GRCh37 (hg19) VCF-style: chr2-71839945-AGGGGAGATGATGGGCAGGTCAGGGAAG-A.
Other names: p.?; c.4426+16_4426+42del (NM_001130979.2); c.4384+16_4384+42del (NM_001130981.2, NM_001130980.2); c.4333+16_4333+42del (NM_001130978.2, NM_003494.4, NM_003494.3); c.4291+16_4291+42del (NM_001130977.2, NM_001130976.2); c.4429+16_4429+42del (NM_001130982.2); c.4387+16_4387+42del (NM_001130985.2); c.4336+16_4336+42del (NM_001130983.2, NM_001130455.2); and 1 more.
Identifiers: ClinVar variation 471305 (VCV000471305.13), dbSNP rs750290973, ClinGen allele CA1706983.
Genomic context (GRCh38, chr2:71,612,815, plus strand): 5'-TTCCTGTGTGACCCCTACTCGGCGGAGAGTCCATCCCCACAGGGTGGCCCAGGTAGGGGA[AGGGGAGATGATGGGCAGGTCAGGGAAG>A]GGGGAGCCTCAGGGCCAAGCTACCCTTCCTAGTTGAGATGCATCCTGAAACCCTTCTCTT-3'

ClinVar aggregate classification (germline): Likely benign. Review status: criteria provided, multiple submitters, no conflicts (2 of 4 stars). 4 submissions from 4 submitters: Likely benign (4). Last evaluated 2026-02-02.

Conditions:
Neuromuscular disease caused by qualitative or quantitative defects of dysferlin. Also called: Qualitative or quantitative defects of dysferlin; Dysferlinopathy. Identifiers: Orphanet 207073, MedGen C2931687, MONDO:0016145.

Submissions (4):

Labcorp Genetics (formerly Invitae), Labcorp
Classification: Likely benign for Neuromuscular disease caused by qualitative or quantitative defects of dysferlin. Last evaluated: 2026-02-02. Review status: criteria provided, single submitter. Criteria: Invitae Variant Classification Sherloc (09022015). Collection method: clinical testing. Allele origin: germline.

Mayo Clinic Laboratories, Mayo Clinic
Classification: Likely benign. Last evaluated: 2025-10-28. Review status: criteria provided, single submitter. Criteria: ACMG Guidelines, 2015. Collection method: clinical testing. Allele origin: germline. Observed: 4 variant alleles.
Comment: BP4, BP7

Blueprint Genetics
Classification: Likely benign. Last evaluated: 2024-11-15. Review status: criteria provided, single submitter. Criteria: ACMG Guidelines, 2015. Collection method: clinical testing. Allele origin: germline.

GeneDx
Classification: Likely benign. Last evaluated: 2017-06-02. Review status: criteria provided, single submitter. Criteria: GeneDx Variant Classification (06012015). Collection method: clinical testing. Allele origin: germline. Affected: yes.
Comment: This variant is considered likely benign or benign based on one or more of the following criteria: it is a conservative change, it occurs at a poorly conserved position in the protein, it is predicted to be benign by multiple in silico algorithms, and/or has population frequency not consistent with disease.